The following is an entry in ClinVar:

NM_020433.5(JPH2):c.2011G>A (p.Val671Ile)

Gene: JPH2 (junctophilin 2; minus strand). Cytogenetic location: 20q13.12.
Variant type: single nucleotide variant.
Coding change: c.2011G>A on transcript NM_020433.5 (MANE Select); coding-DNA position 2011, G replaced by A.
Protein change: p.Val671Ile; replaces valine 671 with isoleucine.
Molecular consequence: missense variant.
Genome position (GRCh38, 1-based): chr20:44,114,876, C>T on the plus strand (G>A on the coding strand, the complement: JPH2 is on the minus strand). VCF-style: chr20-44114876-C-T. GRCh37 (hg19) VCF-style: chr20-42743516-C-T.
Other names: short protein forms V671I.
Identifiers: ClinVar variation 1784427 (VCV001784427.2), dbSNP rs1428142855, ClinGen allele CA409099480.
Genomic context (GRCh38, chr20:44,114,876, plus strand): 5'-AGAGGATGGCCAGGCCGATGTTCAGCAGGATCACCATGCAGATGAGGATGGTGTTGGGGA[C>T]CTGGGAGCAGTGGAGAGAGGCTTCCTGAGTCCCCATGGCCTCGGAGACACCCCCCACCCA-3'
Protein context (NP_065166.2, residues 661-681): AAEAEVEVEE[Val671Ile]PNTILICMVI

ClinVar aggregate classification (germline): Uncertain significance (1 of 4 stars; one submission).

Conditions:
Cardiovascular phenotype. Identifiers: MedGen CN230736.

Allele frequency attached by ClinVar (database versions not stated): TOPMed below 0.00001; gnomAD 0.00001; gnomAD exomes 0.00002.

Submission:

Ambry Genetics
Classification: Uncertain significance for Cardiovascular phenotype. Last evaluated: 2024-01-22. Review status: criteria provided, single submitter. Criteria: Ambry Variant Classification Scheme 2023. Collection method: clinical testing. Allele origin: germline.
Comment: The p.V671I variant (also known as c.2011G>A) is located in coding exon 5 of the JPH2 gene. The valine at codon 671 is replaced by isoleucine, an amino acid with highly similar properties. This change occurs in the first base pair of coding exon 5. This amino acid position is conserved. In addition, this alteration is predicted to be tolerated by in silico analysis. Since supporting evidence is limited at this time, the clinical significance of this alteration remains unclear.